The following is an entry in ClinVar:

NM_022455.5(NSD1):c.6680C>T (p.Pro2227Leu)

Gene: NSD1 (nuclear receptor binding SET domain protein 1; plus strand). Cytogenetic location: 5q35.3.
Variant type: single nucleotide variant.
Coding change: c.6680C>T on transcript NM_022455.5 (MANE Select); coding-DNA position 6680, C replaced by T.
Protein change: p.Pro2227Leu; replaces proline 2227 with leucine.
Molecular consequence: missense variant.
Genome position (GRCh38, 1-based): chr5:177,294,048, C>T. VCF-style: chr5-177294048-C-T. GRCh37 (hg19) VCF-style: chr5-176721049-C-T.
Other names: c.5807C>T, p.Pro1936Leu (NM_001365684.2, NM_001409308.1, NM_172349.5); c.6680C>T, p.Pro2227Leu (NM_001409301.1, NM_001409302.1, NM_001409303.1); c.6260C>T, p.Pro2087Leu (NM_001409304.1); c.5927C>T, p.Pro1976Leu (NM_001409305.1); c.5918C>T, p.Pro1973Leu (NM_001409306.1, NM_001409307.1); c.5558C>T, p.Pro1853Leu (NM_001409309.1); short protein forms P1958L, P2227L, P1973L, P1976L, P2087L, P1853L, P1936L.
Identifiers: ClinVar variation 639340 (VCV000639340.31), dbSNP rs748597598, ClinGen allele CA3578027.

ClinVar aggregate classification (germline): Conflicting classifications of pathogenicity. Review status: criteria provided, conflicting classifications (1 of 4 stars). 7 submissions from 7 submitters: Uncertain significance (4); Benign (2); Likely benign (1). Last evaluated 2025-09-11.

Conditions:
Inborn genetic diseases. Identifiers: MedGen C0950123, MeSH D030342.
Sotos syndrome (SOTOS). Also called: Sotos' syndrome; Distinctive facial appearance, overgrowth in childhood, and learning disabilities or delayed development; CEREBRAL GIGANTISM; CHROMOSOME 5q35 DELETION SYNDROME; SOTOS SYNDROME 1. Identifiers: Orphanet 821, MedGen C0175695, MONDO:0019349, OMIM 117550.

Allele frequency attached by ClinVar (database versions not stated): gnomAD 0.00001; gnomAD exomes 0.00002 and 0.00008; ExAC 0.00004; TOPMed 0.00005.
gnomAD v4.1: 34 of 1,613,922 alleles (0.0021%); highest among the groups gnomAD compares: Admixed American, 0.043%; no homozygotes.

Submissions (7):

Labcorp Genetics (formerly Invitae), Labcorp
Classification: Benign. Last evaluated: 2025-09-11. Review status: criteria provided, single submitter. Criteria: Invitae Variant Classification Sherloc (09022015). Collection method: clinical testing. Allele origin: germline.

CeGaT Center for Human Genetics Tuebingen
Classification: Likely benign. Last evaluated: 2024-08-01. Review status: criteria provided, single submitter. Criteria: CeGaT Center For Human Genetics Tuebingen Variant Classification Criteria Version 2. Collection method: clinical testing. Allele origin: germline. Affected: yes. Observed: 1 variant allele.
Comment: NSD1: BP4, BS2

Daryl Scott Lab, Baylor College of Medicine
Classification: Uncertain significance for Sotos syndrome. Last evaluated: 2024-01-01. Review status: criteria provided, single submitter. Criteria: ACMG Guidelines, 2015. Collection method: clinical testing. Allele origin: de novo. Observed: 1 heterozygote.
Comment: PS2

Fulgent Genetics
Classification: Uncertain significance for Sotos syndrome. Last evaluated: 2021-07-18. Review status: criteria provided, single submitter. Criteria: ACMG Guidelines, 2015. Collection method: clinical testing. Allele origin: unknown.

Genome-Nilou Lab
Classification: Uncertain significance for Sotos syndrome. Last evaluated: 2021-07-15. Review status: criteria provided, single submitter. Criteria: ACMG Guidelines, 2015. Collection method: clinical testing. Allele origin: germline. Affected: no.

Ambry Genetics
Classification: Benign for Inborn genetic diseases. Last evaluated: 2019-01-02. Review status: criteria provided, single submitter. Criteria: Ambry Variant Classification Scheme 2023. Collection method: clinical testing. Allele origin: germline.

Institute of Human Genetics, University of Leipzig Medical Center
Classification: Uncertain significance for Sotos syndrome. Last evaluated: 2019-01-01. Review status: criteria provided, single submitter. Criteria: ACMG Guidelines, 2015. Collection method: clinical testing. Allele origin: unknown. Affected: yes.

Literature cited by the submitters: PubMed 14517949 (cited by Ambry Genetics).